The following is an entry in ClinVar:

NM_004006.3(DMD):c.3679C>G (p.Gln1227Glu)

Gene: DMD (dystrophin; minus strand). Cytogenetic location: Xp21.1.
Variant type: single nucleotide variant.
Coding change: c.3679C>G on transcript NM_004006.3 (MANE Select); coding-DNA position 3679, C replaced by G.
Protein change: p.Gln1227Glu; replaces glutamine 1227 with glutamic acid.
Molecular consequence: missense variant.
Genome position (GRCh38, 1-based): chrX:32,448,563, G>C on the plus strand (C>G on the coding strand, the complement: DMD is on the minus strand). VCF-style: chrX-32448563-G-C. GRCh37 (hg19) VCF-style: chrX-32466680-G-C.
Other names: c.3655C>G, p.Gln1219Glu (NM_000109.4); c.3667C>G, p.Gln1223Glu (NM_004009.3); c.3310C>G, p.Gln1104Glu (NM_004010.3); short protein forms Q1227E, Q1219E, Q1104E, Q1223E.
Identifiers: ClinVar variation 565352 (VCV000565352.9), dbSNP rs1569562941, ClinGen allele CA412662076.

ClinVar aggregate classification (germline): Uncertain significance (1 of 4 stars; one submission).

Conditions:
Duchenne muscular dystrophy (DMD). Also called: Duchenne Muscular Dystrophy (DMD); MUSCULAR DYSTROPHY, PSEUDOHYPERTROPHIC PROGRESSIVE, DUCHENNE TYPE. Identifiers: Orphanet 98896, MedGen C0013264, MONDO:0010679, OMIM 310200.

Submission:

Labcorp Genetics (formerly Invitae), Labcorp
Classification: Uncertain significance for Duchenne muscular dystrophy. Last evaluated: 2019-05-07. Review status: criteria provided, single submitter. Criteria: Invitae Variant Classification Sherloc (09022015). Collection method: clinical testing. Allele origin: germline.
Comment: Algorithms developed to predict the effect of missense changes on protein structure and function (SIFT, PolyPhen-2, Align-GVGD) all suggest that this variant is likely to be tolerated, but these predictions have not been confirmed by published functional studies and their clinical significance is uncertain. In summary, the available evidence is currently insufficient to determine the role of this variant in disease. Therefore, it has been classified as a Variant of Uncertain Significance. This variant has not been reported in the literature in individuals with DMD-related disease. This variant is not present in population databases (ExAC no frequency). This sequence change replaces glutamine with glutamic acid at codon 1227 of the DMD protein (p.Gln1227Glu). The glutamine residue is moderately conserved and there is a small physicochemical difference between glutamine and glutamic acid.